The following is an entry in ClinVar:

ClinVar aggregate classification (germline): Uncertain significance (1 of 4 stars; one submission).

Allele frequency attached by ClinVar (database versions not stated): ExAC 0.00013; gnomAD 0.00025; TOPMed 0.00025; ESP Exome Variant Server 0.00031; 1000 Genomes Project 0.00060; 1000 Genomes Project 30x 0.00062.

Submission:

Labcorp Genetics (formerly Invitae), Labcorp
Classification: Uncertain significance. Last evaluated: 2022-10-17. Review status: criteria provided, single submitter. Criteria: Invitae Variant Classification Sherloc (09022015). Collection method: clinical testing. Allele origin: germline.
Comment: This sequence change replaces methionine, which is neutral and non-polar, with valine, which is neutral and non-polar, at codon 192 of the IL6R protein (p.Met192Val). This variant is present in population databases (rs139710914, gnomAD 0.1%). This variant has not been reported in the literature in individuals affected with IL6R-related conditions. Algorithms developed to predict the effect of missense changes on protein structure and function output the following: SIFT: "Deleterious"; PolyPhen-2: "Benign"; Align-GVGD: "Class C0". The valine amino acid residue is found in multiple mammalian species, which suggests that this missense change does not adversely affect protein function. Algorithms developed to predict the effect of sequence changes on RNA splicing suggest that this variant may disrupt the consensus splice site. In summary, the available evidence is currently insufficient to determine the role of this variant in disease. Therefore, it has been classified as a Variant of Uncertain Significance.

NM_000565.4(IL6R):c.574A>G (p.Met192Val)

Gene: IL6R (interleukin 6 receptor; plus strand). Cytogenetic location: 1q21.3.
Variant type: single nucleotide variant.
Coding change: c.574A>G on transcript NM_000565.4 (MANE Select); coding-DNA position 574, A replaced by G.
Protein change: p.Met192Val; replaces methionine 192 with valine.
Molecular consequence: missense variant.
Genome position (GRCh38, 1-based): chr1:154,434,634, A>G. VCF-style: chr1-154434634-A-G. GRCh37 (hg19) VCF-style: chr1-154407110-A-G.
Other names: c.574A>G, p.Met192Val (NM_001206866.2, NM_001382769.1, NM_001382770.1 and 4 more transcripts); c.214A>G, p.Met72Val (NM_001382774.1); short protein forms M72V, M192V.
Identifiers: ClinVar variation 2045111 (VCV002045111.1), dbSNP rs139710914, ClinGen allele CA1129056.